The following is an entry in ClinVar:

ClinVar aggregate classification (germline): Pathogenic/Likely pathogenic. Review status: criteria provided, multiple submitters, no conflicts (2 of 4 stars). 2 submissions from 2 submitters: Pathogenic (1); Likely pathogenic (1). Last evaluated 2025-01-28.

Conditions:
Spongy degeneration of central nervous system. Also called: ACY2 DEFICIENCY; AMINOACYLASE 2 DEFICIENCY; ASP DEFICIENCY; ASPA DEFICIENCY; ASPARTOACYLASE DEFICIENCY; CANAVAN-VAN BOGAERT-BERTRAND DISEASE. Identifiers: Orphanet 141, MedGen C0206307, MONDO:0010079, OMIM 271900.

Submissions (2):

Natera, Inc.
Classification: Likely pathogenic for Canavan Disease. Last evaluated: 2025-01-28. Review status: criteria provided, single submitter. Criteria: Natera Variant Classification Schema (03/2026). Collection method: clinical testing. Allele origin: germline.
Comment: The c.635-1G>C variant in ASPA is a canonical splice acceptor site variant predicted to affect pre-mRNA splicing, which may result in an abnormal transcript and altered protein product. This variant is expected to result in nonsense mediated decay, truncation, or a dysfunctional protein product. This variant is rare in the general population with a frequency below the threshold expected for the associated phenotype(s). Functional studies show that this variant may disrupt protein function (PMID: 16802711). Given the available evidence, this variant is classified as Likely Pathogenic.

Baylor Genetics
Classification: Pathogenic for Spongy degeneration of central nervous system. Last evaluated: 2022-06-21. Review status: criteria provided, single submitter. Criteria: ACMG Guidelines, 2015. Collection method: clinical testing. Allele origin: unknown.

Literature cited by the submitters: PubMed 16802711 (cited by Natera, Inc.).

NM_000049.4(ASPA):c.635-1G>C

Genes: ASPA (aspartoacylase; plus strand), SPATA22 (spermatogenesis associated 22; minus strand). Cytogenetic location: 17p13.2.
Variant type: single nucleotide variant.
Coding change: c.635-1G>C on transcript NM_000049.4 (MANE Select); the canonical splice acceptor site of the intron before coding-DNA position 635, G replaced by C.
Molecular consequence: splice acceptor variant. On other transcripts: intron variant (2).
Genome position (GRCh38, 1-based): chr17:3,494,349, G>C. VCF-style: chr17-3494349-G-C. GRCh37 (hg19) VCF-style: chr17-3397643-G-C.
Other names: c.-74+19063C>G (NM_001321336.2, NM_001321337.2); c.635-1G>C (NM_001128085.1, NM_000049.2).
Identifiers: ClinVar variation 2678927 (VCV002678927.1), dbSNP rs2543647908, ClinGen allele CA397685776.